The following is an entry in ClinVar:

ClinVar aggregate classification (germline): Uncertain significance (1 of 4 stars; one submission).

Conditions:
Autoimmune interstitial lung disease-arthritis syndrome. Also called: Autoinflammation and autoimmunity, systemic, with immune dysregulation. Identifiers: Orphanet 444092, MedGen C5975714, MONDO:0014629.

Submission:

Labcorp Genetics (formerly Invitae), Labcorp
Classification: Uncertain significance for Autoimmune interstitial lung disease-arthritis syndrome. Last evaluated: 2022-10-31. Review status: criteria provided, single submitter. Criteria: Invitae Variant Classification Sherloc (09022015). Collection method: clinical testing. Allele origin: germline.
Comment: In summary, the available evidence is currently insufficient to determine the role of this variant in disease. Therefore, it has been classified as a Variant of Uncertain Significance. This variant has not been reported in the literature in individuals affected with COPA-related conditions. This variant results in a copy number gain of the genomic region encompassing exon(s) 1-3 of the COPA gene. This region includes the initiator codon of the gene. This copy number gain extends beyond the assayed region for this gene and therefore may encompass additional genes. As the precise location of this event is unknown, it may be in tandem or it may be located elsewhere in the genome.

NC_000001.10:g.(?_160309679)_(160320060_?)dup

Genes: COPA (coat protein complex I subunit alpha; minus strand), NCSTN (nicastrin; plus strand). Cytogenetic location: 1q23.2.
Variant type: Duplication.
Identifiers: ClinVar variation 2425089 (VCV002425089.4).